The following is an entry in ClinVar:

NM_001378120.1(MBD5):c.1025dup (p.Ser343fs)

Gene: MBD5 (methyl-CpG binding domain protein 5; plus strand). Cytogenetic location: 2q23.1.
Variant type: Duplication.
Coding change: c.1025dup on transcript NM_001378120.1 (MANE Select); coding-DNA position 1025, one base duplicated (C; older notation c.1025dupC).
Protein change: p.Ser343fs; shifts the reading frame from serine 343.
Molecular consequence: frameshift variant.
Genome position (GRCh38, 1-based): chr2:148,468,968, C duplicated; the last of 2 consecutive C bases (chr2:148,468,967-148,468,968); duplicating either gives the same sequence. VCF-style (leftmost placement, unchanged base first): chr2-148468966-A-AC. GRCh37 (hg19) VCF-style: chr2-149226535-A-AC.
Other names: c.1025dupC (NM_018328.4); c.1025dup, p.Ser343fs (NM_018328.5); short protein forms S343fs.
Identifiers: ClinVar variation 536668 (VCV000536668.7), dbSNP rs1553518511, ClinGen allele CA658795865.
Genomic context (GRCh38, chr2:148,468,966, plus strand): 5'-GGAAATACCACGAGCAATGTTCCACCACAAACCACCCCAAGGCCCACCTCCCCCTCCTCC[A>AC]CCTTCTTGTGCTCTTCAGAAAAAGCCATTAACATCTGAGAAAGATCCACTTGGCATTCTT-3'

ClinVar aggregate classification (germline): Pathogenic (1 of 4 stars; one submission).

Conditions:
Intellectual developmental disorder, autosomal dominant 1. Also called: Intellectual disability, autosomal dominant 1; MBD5 Haploinsufficiency. Identifiers: Orphanet 228402, MedGen C1969562, MONDO:0007974, OMIM 156200.

Submission:

Labcorp Genetics (formerly Invitae), Labcorp
Classification: Pathogenic for Intellectual developmental disorder, autosomal dominant 1. Last evaluated: 2017-12-10. Review status: criteria provided, single submitter. Criteria: Invitae Variant Classification Sherloc (09022015). Collection method: clinical testing. Allele origin: germline.
Comment: For these reasons, this variant has been classified as Pathogenic. Loss-of-function variants in MBD5 are known to be pathogenic (PMID: 23422940, 23587880). This variant has not been reported in the literature in individuals with MBD5-related disease. This variant is not present in population databases (ExAC no frequency). This sequence change creates a premature translational stop signal (p.Ser343Phefs*12) in the MBD5 gene. It is expected to result in an absent or disrupted protein product.

Literature cited by the submitters: PubMed 23422940; PubMed 23587880.